The following is an entry in ClinVar:

ClinVar aggregate classification (germline): Benign. Review status: criteria provided, multiple submitters, no conflicts (2 of 4 stars). 3 submissions from 3 submitters: Benign (2). 1 of the submissions does not count toward it. Last evaluated 2018-05-08.

Conditions:
DCDC5-related condition.

Allele frequency attached by ClinVar (database versions not stated): gnomAD exomes 0.00147 and 0.00382; ExAC 0.00837; 1000 Genomes Project 0.01418; gnomAD 0.01486 and 0.01611; 1000 Genomes Project 30x 0.01499; ESP Exome Variant Server 0.01584; TOPMed 0.01600.
gnomAD v4.1: 4,484 of 1,601,380 alleles (0.28%); highest among the groups gnomAD compares: African/African-American, 5.1%; 112 homozygotes.

Submissions (3):

Labcorp Genetics (formerly Invitae), Labcorp
Classification: Benign. Last evaluated: 2018-05-08. Review status: criteria provided, single submitter. Criteria: Invitae Variant Classification Sherloc (09022015). Collection method: clinical testing. Allele origin: germline.

Breakthrough Genomics
Classification: Benign. Review status: criteria provided, single submitter. Criteria: ACMG Guidelines, 2015. Collection method: not provided. Allele origin: germline. Inheritance: Unknown mechanism. Affected: yes.

PreventionGenetics, part of Exact Sciences
Classification: Benign for DCDC5-related condition. Last evaluated: 2019-05-28. Review status: no assertion criteria provided. Collection method: clinical testing. Allele origin: germline. Not counted in ClinVar's aggregate classification.
Comment: This variant is classified as benign based on ACMG/AMP sequence variant interpretation guidelines (Richards et al. 2015 PMID: 25741868, with internal and published modifications).

NM_001387274.1(DCDC1):c.4481A>G (p.Lys1494Arg)

Gene: DCDC1 (doublecortin domain containing 1; minus strand). Cytogenetic location: 11p14.1.
Variant type: single nucleotide variant.
Coding change: c.4481A>G on transcript NM_001387274.1 (MANE Select); coding-DNA position 4481, A replaced by G.
Protein change: p.Lys1494Arg; replaces lysine 1494 with arginine.
Molecular consequence: missense variant.
Genome position (GRCh38, 1-based): chr11:30,903,511, T>C on the plus strand (A>G on the coding strand, the complement: DCDC1 is on the minus strand). VCF-style: chr11-30903511-T-C. GRCh37 (hg19) VCF-style: chr11-30925058-T-C.
Other names: c.4481A>G, p.Lys1494Arg (NM_001367979.1); c.1235A>G, p.Lys412Arg (NM_001387275.1); c.1802A>G, p.Lys601Arg (NM_020869.4); short protein forms K601R, K1494R, K412R.
Identifiers: ClinVar variation 718775 (VCV000718775.5), dbSNP rs34110661, ClinGen allele CA5931510.